The following is an entry in ClinVar:

ClinVar aggregate classification (germline): Uncertain significance (1 of 4 stars; one submission).

Conditions:
Familial cancer of breast. Also called: hereditary breast carcinoma; BREAST CANCER, FAMILIAL; Hereditary breast cancer. Identifiers: Orphanet 227535, MedGen C0346153, MONDO:0016419, OMIM 114480. Disease mechanism: loss of function.

Submission:

Labcorp Genetics (formerly Invitae), Labcorp
Classification: Uncertain significance for Familial cancer of breast. Last evaluated: 2025-11-18. Review status: criteria provided, single submitter. Criteria: Invitae Variant Classification Sherloc (09022015). Collection method: clinical testing. Allele origin: germline.
Comment: This sequence change replaces serine, which is neutral and polar, with tyrosine, which is neutral and polar, at codon 279 of the BARD1 protein (p.Ser279Tyr). This variant is not present in population databases (gnomAD no frequency). This variant has not been reported in the literature in individuals affected with BARD1-related conditions. ClinVar contains an entry for this variant (Variation ID: 3654842). An algorithm developed to predict the effect of missense changes on protein structure and function (PolyPhen-2) suggests that this variant is likely to be tolerated. In summary, the available evidence is currently insufficient to determine the role of this variant in disease. Therefore, it has been classified as a Variant of Uncertain Significance.

NM_000465.4(BARD1):c.836C>A (p.Ser279Tyr)

Gene: BARD1 (BRCA1 associated RING domain 1; minus strand). Cytogenetic location: 2q35.
Variant type: single nucleotide variant.
Coding change: c.836C>A on transcript NM_000465.4 (MANE Select); coding-DNA position 836, C replaced by A.
Protein change: p.Ser279Tyr; replaces serine 279 with tyrosine.
Molecular consequence: missense variant. On other transcripts: non-coding transcript variant (2), intron variant (3).
Genome position (GRCh38, 1-based): chr2:214,781,038, G>T on the plus strand (C>A on the coding strand, the complement: BARD1 is on the minus strand). VCF-style: chr2-214781038-G-T. GRCh37 (hg19) VCF-style: chr2-215645762-G-T.
Other names: c.779C>A, p.Ser260Tyr (NM_001282543.2); c.158+28374C>A (NM_001282548.2); c.215+16023C>A (NM_001282545.2); c.364+11259C>A (NM_001282549.2); short protein forms S260Y, S279Y.
Identifiers: ClinVar variation 3654842 (VCV003654842.2).